The following is an entry in ClinVar:

NM_020911.2(PLXNA4):c.846G>A (p.Arg282=)

Gene: PLXNA4 (plexin A4; minus strand). Cytogenetic location: 7q32.3.
Variant type: single nucleotide variant.
Coding change: c.846G>A on transcript NM_020911.2 (MANE Select); coding-DNA position 846, G replaced by A.
Protein change: p.Arg282=; no amino-acid change (arginine 282 retained).
Molecular consequence: synonymous variant.
Genome position (GRCh38, 1-based): chr7:132,507,848, C>T on the plus strand (G>A on the coding strand, the complement: PLXNA4 is on the minus strand). VCF-style: chr7-132507848-C-T. GRCh37 (hg19) VCF-style: chr7-132192607-C-T.
Other names: c.846G>A, p.Arg282= (NM_001105543.2, NM_001393897.1, NM_181775.4).
Identifiers: ClinVar variation 3356704 (VCV003356704.1).

ClinVar aggregate classification (germline): Likely benign (0 of 4 stars; one submission).

Conditions:
PLXNA4-related disorder. Also called: PLXNA4-related condition.

gnomAD v4.1: 11 of 1,614,036 alleles (0.00068%); highest among the groups gnomAD compares: Non-Finnish European, 0.00093%; no homozygotes.

Submission:

PreventionGenetics, part of Exact Sciences
Classification: Likely benign for PLXNA4-related condition. Last evaluated: 2023-08-18. Review status: no assertion criteria provided. Collection method: clinical testing. Allele origin: germline.
Comment: This variant is classified as likely benign based on ACMG/AMP sequence variant interpretation guidelines (Richards et al. 2015 PMID: 25741868, with internal and published modifications).